The following is an entry in ClinVar:

ClinVar aggregate classification (germline): Uncertain significance (1 of 4 stars; one submission).

Submission:

GeneDx
Classification: Uncertain significance. Last evaluated: 2024-08-02. Review status: criteria provided, single submitter. Criteria: GeneDx Variant Classification Process June 2021. Collection method: clinical testing. Allele origin: germline. Affected: yes.
Comment: Not observed at significant frequency in large population cohorts (gnomAD); In silico analysis supports that this missense variant has a deleterious effect on protein structure/function; Has not been previously published as pathogenic or benign to our knowledge; This variant is associated with the following publications: (PMID: 26100331, 25609763, 25512093)

NM_001376.5(DYNC1H1):c.6464C>G (p.Pro2155Arg)

Gene: DYNC1H1 (dynein cytoplasmic 1 heavy chain 1; plus strand). Cytogenetic location: 14q32.31.
Variant type: single nucleotide variant.
Coding change: c.6464C>G on transcript NM_001376.5 (MANE Select); coding-DNA position 6464, C replaced by G.
Protein change: p.Pro2155Arg; replaces proline 2155 with arginine.
Molecular consequence: missense variant.
Genome position (GRCh38, 1-based): chr14:102,010,798, C>G. VCF-style: chr14-102010798-C-G. GRCh37 (hg19) VCF-style: chr14-102477135-C-G.
Other names: short protein forms P2155R.
Identifiers: ClinVar variation 1710899 (VCV001710899.3), dbSNP rs1390255004, ClinGen allele CA391055483.